The following is an entry in ClinVar:

NM_006941.4(SOX10):c.451C>T (p.Arg151Cys)

Genes: POLR2F (RNA polymerase II, I and III subunit F; plus strand), SOX10 (SRY-box transcription factor 10; minus strand). Cytogenetic location: 22q13.1.
Variant type: single nucleotide variant.
Coding change: c.451C>T on transcript NM_006941.4 (MANE Select); coding-DNA position 451, C replaced by T.
Protein change: p.Arg151Cys; replaces arginine 151 with cysteine.
Molecular consequence: missense variant. On other transcripts: intron variant (3).
Genome position (GRCh38, 1-based): chr22:37,978,113, G>A on the plus strand (C>T on the coding strand, the complement: SOX10 is on the minus strand). VCF-style: chr22-37978113-G-A. GRCh37 (hg19) VCF-style: chr22-38374120-G-A.
Other names: c.*38+5803G>A (NM_001363825.1); c.294-8041G>A (NM_001301130.2); c.293+10943G>A (NM_001301131.2); short protein forms R151C.
Identifiers: ClinVar variation 3392888 (VCV003392888.1).

ClinVar aggregate classification (germline): Likely pathogenic (1 of 4 stars; one submission).

gnomAD v4.1: 3 of 1,580,280 alleles (0.00019%); highest among the groups gnomAD compares: Non-Finnish European, 0.00017%; no homozygotes.

Submission:

GeneDx
Classification: Likely pathogenic. Last evaluated: 2024-06-25. Review status: criteria provided, single submitter. Criteria: GeneDx Variant Classification Process June 2021. Collection method: clinical testing. Allele origin: germline. Affected: yes.
Comment: Published functional studies demonstrate a damaging effect (PMID: 23643381); Not observed at significant frequency in large population cohorts (gnomAD); In silico analysis supports that this missense variant has a deleterious effect on protein structure/function; This variant is associated with the following publications: (PMID: 33442024, 23643381)